The following is an entry in ClinVar:

NM_018127.7(ELAC2):c.2455C>T (p.Gln819Ter)

Gene: ELAC2 (elaC ribonuclease Z 2; minus strand). Cytogenetic location: 17p12.
Variant type: single nucleotide variant.
Coding change: c.2455C>T on transcript NM_018127.7 (MANE Select); coding-DNA position 2455, C replaced by T.
Protein change: p.Gln819Ter; replaces glutamine 819 with a stop codon.
Molecular consequence: nonsense.
Genome position (GRCh38, 1-based): chr17:12,992,844, G>A on the plus strand (C>T on the coding strand, the complement: ELAC2 is on the minus strand). VCF-style: chr17-12992844-G-A. GRCh37 (hg19) VCF-style: chr17-12896161-G-A.
Other names: c.2335C>T, p.Gln779Ter (NM_001165962.2); c.2452C>T, p.Gln818Ter (NM_173717.2); short protein forms Q818*, Q779*, Q819*.
Identifiers: ClinVar variation 1385240 (VCV001385240.6), dbSNP rs1439706479, ClinGen allele CA398222050.

ClinVar aggregate classification (germline): Uncertain significance (1 of 4 stars; one submission).

Conditions:
Combined oxidative phosphorylation defect type 17. Also called: Combined oxidative phosphorylation deficiency 17. Identifiers: Orphanet 369913, MedGen C3809526, MONDO:0014190, OMIM 615440.

Allele frequency attached by ClinVar (database versions not stated): gnomAD exomes below 0.00001 and 0.00001; TOPMed below 0.00001; gnomAD 0.00001.
gnomAD v4.1: 16 of 1,610,748 alleles (0.00099%); highest among the groups gnomAD compares: African/African-American, 0.0013%; no homozygotes.

Submission:

Labcorp Genetics (formerly Invitae), Labcorp
Classification: Uncertain significance for Combined oxidative phosphorylation defect type 17. Last evaluated: 2022-03-08. Review status: criteria provided, single submitter. Criteria: Invitae Variant Classification Sherloc (09022015). Collection method: clinical testing. Allele origin: germline.
Comment: Experimental studies and prediction algorithms are not available or were not evaluated, and the functional significance of this variant is currently unknown. In summary, the available evidence is currently insufficient to determine the role of this variant in disease. Therefore, it has been classified as a Variant of Uncertain Significance. This variant has not been reported in the literature in individuals affected with ELAC2-related conditions. This sequence change creates a premature translational stop signal (p.Gln819*) in the ELAC2 gene. While this is not anticipated to result in nonsense mediated decay, it is expected to disrupt the last 8 amino acid(s) of the ELAC2 protein. This variant is present in population databases (no rsID available, gnomAD 0.0009%).